The following is an entry in ClinVar:

NM_020693.4(DSCAML1):c.412C>T (p.Arg138Cys)

Gene: DSCAML1 (DS cell adhesion molecule like 1; minus strand). Cytogenetic location: 11q23.3.
Variant type: single nucleotide variant.
Coding change: c.412C>T on transcript NM_020693.4 (MANE Select); coding-DNA position 412, C replaced by T.
Protein change: p.Arg138Cys; replaces arginine 138 with cysteine.
Molecular consequence: missense variant.
Genome position (GRCh38, 1-based): chr11:117,776,890, G>A on the plus strand (C>T on the coding strand, the complement: DSCAML1 is on the minus strand). VCF-style: chr11-117776890-G-A. GRCh37 (hg19) VCF-style: chr11-117647605-G-A.
Other names: c.412C>T, p.Arg138Cys (NM_001367904.1); c.4C>T, p.Arg2Cys (NM_001367905.1); short protein forms R138C, R2C.
Identifiers: ClinVar variation 1436818 (VCV001436818.6), dbSNP rs143374965, ClinGen allele CA6297572.

ClinVar aggregate classification (germline): Uncertain significance (1 of 4 stars; one submission).

Allele frequency attached by ClinVar (database versions not stated): ExAC 0.00007; gnomAD exomes 0.00009; gnomAD 0.00011 and 0.00013; ESP Exome Variant Server 0.00015; TOPMed 0.00018.
gnomAD v4.1: 152 of 1,614,012 alleles (0.0094%); highest among the groups gnomAD compares: Admixed American, 0.022%; no homozygotes.

Submission:

Labcorp Genetics (formerly Invitae), Labcorp
Classification: Uncertain significance. Last evaluated: 2025-11-10. Review status: criteria provided, single submitter. Criteria: Invitae Variant Classification Sherloc (09022015). Collection method: clinical testing. Allele origin: germline.
Comment: This sequence change replaces arginine, which is basic and polar, with cysteine, which is neutral and slightly polar, at codon 198 of the DSCAML1 protein (p.Arg198Cys). This variant is present in population databases (rs143374965, gnomAD 0.02%). This variant has not been reported in the literature in individuals affected with DSCAML1-related conditions. ClinVar contains an entry for this variant (Variation ID: 1436818). An algorithm developed to predict the effect of missense changes on protein structure and function (PolyPhen-2) suggests that this variant is likely to be disruptive. In summary, the available evidence is currently insufficient to determine the role of this variant in disease. Therefore, it has been classified as a Variant of Uncertain Significance.